The following is an entry in ClinVar:

ClinVar aggregate classification (germline): Uncertain significance (1 of 4 stars; one submission).

Allele frequency attached by ClinVar (database versions not stated): TOPMed below 0.00001.

Submission:

Labcorp Genetics (formerly Invitae), Labcorp
Classification: Uncertain significance. Last evaluated: 2023-10-13. Review status: criteria provided, single submitter. Criteria: Invitae Variant Classification Sherloc (09022015). Collection method: clinical testing. Allele origin: germline.
Comment: This sequence change replaces tyrosine, which is neutral and polar, with cysteine, which is neutral and slightly polar, at codon 484 of the CYP51A1 protein (p.Tyr484Cys). This variant is not present in population databases (gnomAD no frequency). This variant has not been reported in the literature in individuals affected with CYP51A1-related conditions. An algorithm developed to predict the effect of missense changes on protein structure and function (PolyPhen-2) suggests that this variant is likely to be disruptive. In summary, the available evidence is currently insufficient to determine the role of this variant in disease. Therefore, it has been classified as a Variant of Uncertain Significance.

NM_000786.4(CYP51A1):c.1451A>G (p.Tyr484Cys)

Gene: CYP51A1 (cytochrome P450 family 51 subfamily A member 1; minus strand). Cytogenetic location: 7q21.2.
Variant type: single nucleotide variant.
Coding change: c.1451A>G on transcript NM_000786.4 (MANE Select); coding-DNA position 1451, A replaced by G.
Protein change: p.Tyr484Cys; replaces tyrosine 484 with cysteine.
Molecular consequence: missense variant.
Genome position (GRCh38, 1-based): chr7:92,113,744, T>C on the plus strand (A>G on the coding strand, the complement: CYP51A1 is on the minus strand). VCF-style: chr7-92113744-T-C. GRCh37 (hg19) VCF-style: chr7-91743058-T-C.
Other names: c.1136A>G, p.Tyr379Cys (NM_001146152.2); short protein forms Y484C, Y379C.
Identifiers: ClinVar variation 2788842 (VCV002788842.3), dbSNP rs1819517164, ClinGen allele CA368167803.